The following is an entry in ClinVar:

ClinVar aggregate classification (germline): Benign. Review status: criteria provided, multiple submitters, no conflicts (2 of 4 stars). 4 submissions from 4 submitters: Benign (4). Last evaluated 2026-02-01.

Allele frequency attached by ClinVar (database versions not stated): gnomAD exomes 0.00147; ExAC 0.00219; 1000 Genomes Project 0.00679; gnomAD 0.00778 and 0.00835; 1000 Genomes Project 30x 0.00828; TOPMed 0.00872.
gnomAD v4.1: 2,293 of 1,550,604 alleles (0.15%); highest among the groups gnomAD compares: African/African-American, 2.8%; 32 homozygotes.

Submissions (4):

Labcorp Genetics (formerly Invitae), Labcorp
Classification: Benign. Last evaluated: 2026-02-01. Review status: criteria provided, single submitter. Criteria: Invitae Variant Classification Sherloc (09022015). Collection method: clinical testing. Allele origin: germline.

GeneDx
Classification: Benign. Last evaluated: 2019-08-05. Review status: criteria provided, single submitter. Criteria: GeneDx Variant Classification Process June 2021. Collection method: clinical testing. Allele origin: germline. Affected: yes.

Laboratory for Molecular Medicine, Mass General Brigham Personalized Medicine
Classification: Benign. Last evaluated: 2014-11-24. Review status: criteria provided, single submitter. Criteria: LMM Criteria. Collection method: clinical testing. Allele origin: germline. Observed: 6 variant alleles.
Comment: Ala2271Thr in exon 40 of OTOG: This variant is not expected to have clinical sig nificance because it has been identified in 6.8% (12/176) of Yoruba (Nigerian) c hromosomes from a broad population by the 1000 Genomes Project (.; dbSNP rs116503251).

Breakthrough Genomics
Classification: Benign. Review status: criteria provided, single submitter. Criteria: ACMG Guidelines, 2015. Collection method: not provided. Allele origin: germline. Inheritance: Autosomal recessive inheritance. Affected: yes.

NM_001292063.2(OTOG):c.6775G>A (p.Ala2259Thr)

Gene: OTOG (otogelin; plus strand). Cytogenetic location: 11p15.1.
Variant type: single nucleotide variant.
Coding change: c.6775G>A on transcript NM_001292063.2 (MANE Select); coding-DNA position 6775, G replaced by A.
Protein change: p.Ala2259Thr; replaces alanine 2259 with threonine.
Molecular consequence: missense variant.
Genome position (GRCh38, 1-based): chr11:17,631,764, G>A. VCF-style: chr11-17631764-G-A. GRCh37 (hg19) VCF-style: chr11-17653311-G-A.
Other names: c.6811G>A, p.Ala2271Thr (NM_001277269.2); short protein forms A2271T, A2259T.
Identifiers: ClinVar variation 226904 (VCV000226904.18), dbSNP rs116503251, ClinGen allele CA5906063.
Genomic context (GRCh38, chr11:17,631,764, plus strand): 5'-ATCTGTGATGGAGATGCAGCCAATGACCTTACCCTGAAGGATGGCTCAGTGGTGGGTGGG[G>A]CTGAGGACCCTGCTCCCTTTCTGGACAGCTGGCAGGTGCCCAGCTCCCTGACCTCAGTGG-3'
Protein context (NP_001278992.1, residues 2249-2269): TLKDGSVVGG[Ala2259Thr]EDPAPFLDSW